The following is an entry in ClinVar:

NM_002890.3(RASA1):c.539+4A>G

Gene: RASA1 (RAS p21 protein activator 1; plus strand). Cytogenetic location: 5q14.3.
Variant type: single nucleotide variant.
Coding change: c.539+4A>G on transcript NM_002890.3 (MANE Select); 4 bases into the intron after coding-DNA position 539, A replaced by G.
Molecular consequence: intron variant. On other transcripts: 5 prime UTR variant (1).
Genome position (GRCh38, 1-based): chr5:87,268,994, A>G. VCF-style: chr5-87268994-A-G. GRCh37 (hg19) VCF-style: chr5-86564811-A-G.
Other names: c.-54A>G (NM_022650.3).
Identifiers: ClinVar variation 2051636 (VCV002051636.4), dbSNP rs2531003868, ClinGen allele CA2580073690.

ClinVar aggregate classification (germline): Pathogenic (1 of 4 stars; one submission).

Conditions:
Capillary malformation-arteriovenous malformation syndrome. Also called: Capillary malformation-arteriovenous malformation. Identifiers: Orphanet 137667, MedGen C1842180, MONDO:0012016.

Submission:

Labcorp Genetics (formerly Invitae), Labcorp
Classification: Pathogenic for Capillary malformation-arteriovenous malformation syndrome. Last evaluated: 2022-01-11. Review status: criteria provided, single submitter. Criteria: Invitae Variant Classification Sherloc (09022015). Collection method: clinical testing. Allele origin: germline.
Comment: This sequence change falls in intron 1 of the RASA1 gene. It does not directly change the encoded amino acid sequence of the RASA1 protein. It affects a nucleotide within the consensus splice site. For these reasons, this variant has been classified as Pathogenic. Variants that disrupt the consensus splice site are a relatively common cause of aberrant splicing (PMID: 17576681, 9536098). Algorithms developed to predict the effect of sequence changes on RNA splicing suggest that this variant may disrupt the consensus splice site. This variant has been observed in individual(s) with clinical features of RASA1-related conditions (Invitae). In at least one individual the variant was observed to be de novo. This variant is not present in population databases (gnomAD no frequency).

Literature cited by the submitters: PubMed 17576681; PubMed 9536098.